The following is an entry in ClinVar:

ClinVar aggregate classification (germline): Uncertain significance (1 of 4 stars; one submission).

Conditions:
Epilepsy, familial adult myoclonic, 5 (EPEO5). Also called: CORTICAL MYOCLONIC TREMOR WITH EPILEPSY, FAMILIAL, 5. Identifiers: Orphanet 86814, MedGen C3809374, MONDO:0014167, OMIM 615400.

Submission:

Labcorp Genetics (formerly Invitae), Labcorp
Classification: Uncertain significance for Epilepsy, familial adult myoclonic, 5. Last evaluated: 2021-03-18. Review status: criteria provided, single submitter. Criteria: Invitae Variant Classification Sherloc (09022015). Collection method: clinical testing. Allele origin: germline.
Comment: In summary, the available evidence is currently insufficient to determine the role of this variant in disease. Therefore, it has been classified as a Variant of Uncertain Significance. Advanced modeling of protein sequence and biophysical properties (such as structural, functional, and spatial information, amino acid conservation, physicochemical variation, residue mobility, and thermodynamic stability) performed at Invitae indicates that this missense variant is not expected to disrupt CNTN2 protein function. This variant has not been reported in the literature in individuals with CNTN2-related conditions. This variant is not present in population databases (ExAC no frequency). This sequence change replaces valine with leucine at codon 143 of the CNTN2 protein (p.Val143Leu). The valine residue is highly conserved and there is a small physicochemical difference between valine and leucine.

NM_005076.5(CNTN2):c.427G>T (p.Val143Leu)

Gene: CNTN2 (contactin 2; plus strand). Cytogenetic location: 1q32.1.
Variant type: single nucleotide variant.
Coding change: c.427G>T on transcript NM_005076.5 (MANE Select); coding-DNA position 427, G replaced by T.
Protein change: p.Val143Leu; replaces valine 143 with leucine.
Molecular consequence: missense variant. On other transcripts: non-coding transcript variant (1).
Genome position (GRCh38, 1-based): chr1:205,058,603, G>T. VCF-style: chr1-205058603-G-T. GRCh37 (hg19) VCF-style: chr1-205027731-G-T.
Other names: c.427G>T, p.Val143Leu (NM_001346083.2); short protein forms V143L.
Identifiers: ClinVar variation 1351236 (VCV001351236.8), dbSNP rs2151189641, ClinGen allele CA344405888.